The following is an entry in ClinVar:

ClinVar aggregate classification (germline): Uncertain significance (1 of 4 stars; one submission).

Submission:

GeneDx
Classification: Uncertain significance. Last evaluated: 2025-05-08. Review status: criteria provided, single submitter. Criteria: GeneDx Variant Classification Process June 2021. Collection method: clinical testing. Allele origin: germline. Affected: yes.
Comment: Has not been previously published as pathogenic or benign to our knowledge; Not observed at significant frequency in large population cohorts (gnomAD); In silico analysis suggests that this missense variant does not alter protein structure/function

NM_001282531.3(ADNP):c.277T>C (p.Phe93Leu)

Gene: ADNP (activity dependent neuroprotector homeobox; minus strand). Cytogenetic location: 20q13.13.
Variant type: single nucleotide variant.
Coding change: c.277T>C on transcript NM_001282531.3 (MANE Select); coding-DNA position 277, T replaced by C.
Protein change: p.Phe93Leu; replaces phenylalanine 93 with leucine.
Molecular consequence: missense variant. On other transcripts: 5 prime UTR variant (1).
Genome position (GRCh38, 1-based): chr20:50,894,437, A>G on the plus strand (T>C on the coding strand, the complement: ADNP is on the minus strand). VCF-style: chr20-50894437-A-G. GRCh37 (hg19) VCF-style: chr20-49510974-A-G.
Other names: c.277T>C, p.Phe93Leu (NM_015339.5, NM_181442.4, NM_001282532.2 and 1 more transcripts); c.493T>C, p.Phe165Leu (NM_001439000.1); c.-408T>C (NM_001439001.1); short protein forms F165L, F93L.
Identifiers: ClinVar variation 4527909 (VCV004527909.1).
Genomic context (GRCh38, chr20:50,894,437, plus strand): 5'-TACAGTAGGGGCAATTAAGGAGAATCCTATTTTCAAAGTCTTCACTATGGACATTGCGGA[A>G]ATGACTTTTGTAGGCAGAGAAGAATTTTGAGGAAAATGGACAAGCGCTGCAGCAGAAAGG-3'
Protein context (NP_001269460.1, residues 83-103): SKFFSAYKSH[Phe93Leu]RNVHSEDFEN